The following is an entry in ClinVar:

ClinVar aggregate classification (germline): Pathogenic (1 of 4 stars; one submission).

Conditions:
Hypogonadotropic hypogonadism 1 with or without anosmia (HH1). Also called: Kallmann syndrome, type 1, X-linked; DYSPLASIA OLFACTOGENITALIS OF DE MORSIER; KAL1-Related GnRH Deficiency (Kallmann Syndrome 1; Kallmann Syndrome, X-Linked); HYPOGONADOTROPIC HYPOGONADISM AND ANOSMIA; HYPOGONADOTROPIC HYPOGONADISM 1 WITH ANOSMIA; Hypogonadotropic hypogonadism 1 with or without anosmia (Kallmann syndrome 1). Identifiers: Orphanet 478, MedGen C1563719, MONDO:0010635, OMIM 308700. Disease mechanism: loss of function.

Submission:

Victorian Clinical Genetics Services, Murdoch Childrens Research Institute
Classification: Pathogenic for Hypogonadotropic hypogonadism 1 with or without anosmia. Last evaluated: 2024-10-09. Review status: criteria provided, single submitter. Criteria: ACMG Guidelines, 2015. Collection method: clinical testing. Allele origin: germline. Inheritance: X-linked recessive inheritance. Affected: yes.
Comment: Based on the classification scheme VCGS_Germline_v1.3.4, this variant is classified as Pathogenic. Following criteria are met: 0102 - Loss of function is a known mechanism of disease in this gene and is associated with Hypogonadotropic hypogonadism 1 with or without anosmia (Kallmann syndrome 1) (MIM#308700). (I) 0109 - This gene is associated with X-linked recessive disease. (I) 0201 - Variant is predicted to cause nonsense-mediated decay (NMD) and loss of protein (premature termination codon is located at least 54 nucleotides upstream of the final exon-exon junction). (SP) 0253 - This variant is hemizygous. (I) 0301 - Variant is absent from gnomAD (v2 and v3). (SP) 0701 - Other NMD-predicted variants comparable to the one identified in this case have very strong previous evidence for pathogenicity (ClinVar). (SP) 0807 - This variant has no previous evidence of pathogenicity. (I) 0905 - No published segregation evidence has been identified for this variant. (I) 1007 - No published functional evidence has been identified for this variant. (I) Legend: (SP) - Supporting pathogenic, (I) - Information, (SB) - Supporting benign

NM_000216.4(ANOS1):c.1777_1778dup (p.Thr594fs)

Gene: ANOS1 (anosmin 1; minus strand). Cytogenetic location: Xp22.31.
Variant type: Duplication.
Coding change: c.1777_1778dup on transcript NM_000216.4 (MANE Select); coding-DNA positions 1777 to 1778, 2 bases duplicated (AC; older notation c.1777_1778dupAC).
Protein change: p.Thr594fs; shifts the reading frame from threonine 594.
Molecular consequence: frameshift variant.
Genome position (GRCh38, 1-based): chrX:8,535,655-8,535,656, GT duplicated on the plus strand (AC on the coding strand, the reverse complement: ANOS1 is on the minus strand); duplicating any 2 consecutive bases within chrX:8,535,655-8,535,657 gives the same sequence; the c. name uses the placement nearest the transcript's 3' end. VCF-style (leftmost placement, unchanged base first): chrX-8535654-A-AGT. GRCh37 (hg19) VCF-style: chrX-8503695-A-AGT.
Other names: short protein forms T594fs.
Identifiers: ClinVar variation 3377308 (VCV003377308.1).